The following is an entry in ClinVar:

NM_199420.4(POLQ):c.4070G>T (p.Ser1357Ile)

Gene: POLQ (DNA polymerase theta; minus strand). Cytogenetic location: 3q13.33.
Variant type: single nucleotide variant.
Coding change: c.4070G>T on transcript NM_199420.4 (MANE Select); coding-DNA position 4070, G replaced by T.
Protein change: p.Ser1357Ile; replaces serine 1357 with isoleucine.
Molecular consequence: missense variant.
Genome position (GRCh38, 1-based): chr3:121,488,861, C>A on the plus strand (G>T on the coding strand, the complement: POLQ is on the minus strand). VCF-style: chr3-121488861-C-A. GRCh37 (hg19) VCF-style: chr3-121207708-C-A.
Other names: short protein forms S1357I.
Identifiers: ClinVar variation 3229978 (VCV003229978.1), dbSNP rs1444105056, ClinGen allele CA354096287.

ClinVar aggregate classification (germline): Uncertain significance (1 of 4 stars; one submission).

Submission:

Ambry Genetics
Classification: Uncertain significance. Last evaluated: 2023-10-10. Review status: criteria provided, single submitter. Criteria: Ambry Variant Classification Scheme 2023. Collection method: clinical testing. Allele origin: germline.
Comment: The p.S1357I variant (also known as c.4070G>T), located in coding exon 16 of the POLQ gene, results from a G to T substitution at nucleotide position 4070. The serine at codon 1357 is replaced by isoleucine, an amino acid with dissimilar properties. This amino acid position is conserved. In addition, this alteration is predicted to be tolerated by in silico analysis. Since supporting evidence is limited at this time, the clinical significance of this alteration remains unclear.